The following is an entry in ClinVar:

NM_152618.3(BBS12):c.860AAG[1] (p.Glu288del)

Gene: BBS12 (Bardet-Biedl syndrome 12; plus strand). Cytogenetic location: 4q27.
Variant type: Microsatellite.
Coding change: c.860AAG[1] on transcript NM_152618.3 (MANE Select); one copy of the 3-base unit AAG starting at c.860; the reference has two copies in a row; one copy, 3 bases deleted; also written c.863_865del.
Protein change: p.Glu288del; deletes glutamic acid 288.
Molecular consequence: inframe deletion.
Genome position (GRCh38, 1-based): chr4:122,742,755-122,742,757, AAG deleted; deleting any 3 consecutive bases within chr4:122,742,750-122,742,757 gives the same sequence; the position shown is the placement nearest the transcript's 3' end. VCF-style (leftmost placement, unchanged base first): chr4-122742749-TAGA-T. GRCh37 (hg19) VCF-style: chr4-123663904-TAGA-T.
Other names: c.860AAG[1], p.Glu288del (NM_001178007.2); c.863_865del (NM_152618.3, NM_152618.2); short protein forms E288del.
Identifiers: ClinVar variation 551644 (VCV000551644.16), dbSNP rs745504524, ClinGen allele CA3069340.

ClinVar aggregate classification (germline): Uncertain significance. Review status: criteria provided, multiple submitters, no conflicts (2 of 4 stars). 7 submissions from 7 submitters: Uncertain significance (4). 3 of the submissions do not count toward it. Last evaluated 2026-01-26.

Conditions:
BBS12-related disorder. Also called: BBS12-related condition.
Bardet-Biedl syndrome (BBS). Identifiers: Orphanet 110, MedGen C0752166, MONDO:0015229.
Bardet-Biedl syndrome 12 (BBS12). Identifiers: Orphanet 110, MedGen C1859570, MONDO:0014440, OMIM 615989.

Submissions (7):

GeneDx
Classification: Uncertain significance. Last evaluated: 2026-01-26. Review status: criteria provided, single submitter. Criteria: GeneDx Variant Classification Process June 2021. Collection method: clinical testing. Allele origin: germline.
Comment: In-frame deletion of 1 amino acid in a non-repeat region; In silico analysis supports a deleterious effect on protein structure/function; Has not been previously published as pathogenic or benign to our knowledge

Labcorp Genetics (formerly Invitae), Labcorp
Classification: Uncertain significance for Bardet-Biedl syndrome. Last evaluated: 2022-10-24. Review status: criteria provided, single submitter. Criteria: Invitae Variant Classification Sherloc (09022015). Collection method: clinical testing. Allele origin: germline.
Comment: This variant, c.863_865del, results in the deletion of 1 amino acid(s) of the BBS12 protein (p.Glu288del), but otherwise preserves the integrity of the reading frame. This variant is present in population databases (rs745504524, gnomAD 0.02%). This variant has not been reported in the literature in individuals affected with BBS12-related conditions. ClinVar contains an entry for this variant (Variation ID: 551644). Experimental studies and prediction algorithms are not available or were not evaluated, and the functional significance of this variant is currently unknown. In summary, the available evidence is currently insufficient to determine the role of this variant in disease. Therefore, it has been classified as a Variant of Uncertain Significance.

Fulgent Genetics
Classification: Uncertain significance for Bardet-Biedl syndrome 12. Last evaluated: 2022-03-08. Review status: criteria provided, single submitter. Criteria: ACMG Guidelines, 2015. Collection method: clinical testing. Allele origin: unknown.

Blueprint Genetics
Classification: Uncertain significance. Last evaluated: 2018-10-11. Review status: criteria provided, single submitter. Criteria: ACMG Guidelines, 2015. Collection method: clinical testing. Allele origin: germline.

PreventionGenetics, part of Exact Sciences
Classification: Uncertain significance for BBS12-related condition. Last evaluated: 2024-02-21. Review status: no assertion criteria provided. Collection method: clinical testing. Allele origin: germline. Not counted in ClinVar's aggregate classification.
Comment: The BBS12 c.863_865delAAG variant is predicted to result in an in-frame deletion (p.Glu288del). To our knowledge, this variant has not been reported in the literature. This variant is reported in 0.016% of alleles in individuals of African descent in gnomAD. At this time, the clinical significance of this variant is uncertain due to the absence of conclusive functional and genetic evidence.

Natera, Inc.
Classification: Uncertain significance for Bardet-Biedl syndrome type 12. Last evaluated: 2021-03-09. Review status: no assertion criteria provided. Collection method: clinical testing. Allele origin: germline. Not counted in ClinVar's aggregate classification.

Counsyl
Classification: Uncertain significance for Bardet-Biedl syndrome 12. Last evaluated: 2017-04-28. Review status: no assertion criteria provided. Collection method: clinical testing. Allele origin: unknown. Not counted in ClinVar's aggregate classification.